The following is an entry in ClinVar:

NM_002528.7(NTHL1):c.392C>G (p.Ser131Cys)

Gene: NTHL1 (nth like DNA glycosylase 1; minus strand). Cytogenetic location: 16p13.3.
Variant type: single nucleotide variant.
Coding change: c.392C>G on transcript NM_002528.7 (MANE Select); coding-DNA position 392, C replaced by G.
Protein change: p.Ser131Cys; replaces serine 131 with cysteine.
Molecular consequence: missense variant. On other transcripts: intron variant (1).
Genome position (GRCh38, 1-based): chr16:2,044,763, G>C on the plus strand (C>G on the coding strand, the complement: NTHL1 is on the minus strand). VCF-style: chr16-2044763-G-C. GRCh37 (hg19) VCF-style: chr16-2094764-G-C.
Other names: c.62C>G, p.Ser21Cys (NM_001318194.2); c.355-1037C>G (NM_001318193.2); short protein forms S131C, S21C.
Identifiers: ClinVar variation 4861239 (VCV004861239.1).
Genomic context (GRCh38, chr16:2,044,763, plus strand): 5'-AGGCCCCGCGCCCGCAGTCGCTGCATGGCGCCCGCCGTCACCTGGTCTTTGGTTTGGCTG[G>C]AGAGCATCAGTGACAGCAGCACCTGGTACCTGCGTACCTGCTTGTGCAGTGACAGGGACC-3'
Protein context (NP_002519.2, residues 121-141): RYQVLLSLML[Ser131Cys]SQTKDQVTAG

ClinVar aggregate classification (germline): Uncertain significance (1 of 4 stars; one submission).

Conditions:
Hereditary cancer-predisposing syndrome. Also called: Neoplastic Syndromes, Hereditary; Tumor predisposition; Hereditary Cancer Syndrome; Hereditary neoplastic syndrome. Identifiers: Orphanet 140162, MedGen C0027672, MeSH D009386, MONDO:0015356.

Submission:

Ambry Genetics
Classification: Uncertain significance for Hereditary cancer-predisposing syndrome. Last evaluated: 2026-06-08. Review status: criteria provided, single submitter. Criteria: Ambry Variant Classification Scheme 2023. Collection method: clinical testing. Allele origin: germline.
Comment: The p.S139C variant (also known as c.416C>G), located in coding exon 3 of the NTHL1 gene, results from a C to G substitution at nucleotide position 416. The serine at codon 139 is replaced by cysteine, an amino acid with dissimilar properties. This amino acid position is conserved. In addition, this alteration is predicted to be deleterious by in silico analysis. Based on the available evidence, the clinical significance of this variant remains unclear.